The following is an entry in ClinVar:

NM_014014.5(SNRNP200):c.2047G>T (p.Val683Leu)

Gene: SNRNP200 (small nuclear ribonucleoprotein U5 subunit 200; minus strand). Cytogenetic location: 2q11.2.
Variant type: single nucleotide variant.
Coding change: c.2047G>T on transcript NM_014014.5 (MANE Select); coding-DNA position 2047, G replaced by T.
Protein change: p.Val683Leu; replaces valine 683 with leucine.
Molecular consequence: missense variant.
Genome position (GRCh38, 1-based): chr2:96,293,085, C>A on the plus strand (G>T on the coding strand, the complement: SNRNP200 is on the minus strand). VCF-style: chr2-96293085-C-A. GRCh37 (hg19) VCF-style: chr2-96958823-C-A.
Other names: short protein forms V683L.
Identifiers: ClinVar variation 143145 (VCV000143145.2), dbSNP rs527236114, ClinGen allele CA270108.
Genomic context (GRCh38, chr2:96,293,085, plus strand): 5'-TCTGGAAACGCTTGATAGCTTTTTTCTCTGTGATACCCACATATGTCTGTTCCAGAGGCA[C>A]TGGACGGAAGCTAGAAGTTCAACAGTTAGACAAATGAGGCTTTGGCAGAAAATACTGTGG-3'
Protein context (NP_054733.2, residues 673-693): LFYFDNSFRP[Val683Leu]PLEQTYVGIT

ClinVar aggregate classification (germline): Pathogenic (0 of 4 stars; one submission).

Conditions:
Retinitis pigmentosa (RP). Identifiers: Orphanet 791, MedGen C0035334, MeSH D012174, MONDO:0019200, OMIM 268000. Inheritance: Autosomal dominant, autosomal recessive and X linked inheritance.

Submission:

Department of Ophthalmology and Visual Sciences Kyoto University
Classification: Pathogenic for Retinitis pigmentosa. Review status: no assertion criteria provided. Collection method: not provided. Allele origin: unknown.
ClinVar note: Converted during submission from pathogenic to Pathogenic.